The following is an entry in ClinVar:

NM_005343.4(HRAS):c.325G>T (p.Val109Leu)

Genes: HRAS (HRas proto-oncogene, GTPase; minus strand), LRRC56 (leucine rich repeat containing 56; plus strand). Cytogenetic location: 11p15.5.
Variant type: single nucleotide variant.
Coding change: c.325G>T on transcript NM_005343.4 (MANE Select); coding-DNA position 325, G replaced by T.
Protein change: p.Val109Leu; replaces valine 109 with leucine.
Molecular consequence: missense variant. On other transcripts: synonymous variant (1).
Genome position (GRCh38, 1-based): chr11:533,578, C>A on the plus strand (G>T on the coding strand, the complement: HRAS is on the minus strand). VCF-style: chr11-533578-C-A. GRCh37 (hg19) VCF-style: chr11-533578-C-A.
Other names: c.325G>T, p.Val109Leu (NM_001130442.3, NM_176795.5); c.6G>T, p.Thr2= (NM_001318054.2); short protein forms V109L.
Identifiers: ClinVar variation 1716699 (VCV001716699.6), dbSNP rs1342261234, ClinGen allele CA378923686.
Genomic context (GRCh38, chr11:533,578, plus strand): 5'-GCCGAGATTCCACAGTGCGTGCAGCCAGGTCACACTTGTTCCCCACCAGCACCATGGGCA[C>A]GTCATCCGAGTCCTTCACCCGTTTGATCTGCTCCCTGAGAGGTGGAAAGCGAGAGCTGGC-3'
Protein context (NP_005334.1, residues 99-119): QIKRVKDSDD[Val109Leu]PMVLVGNKCD

ClinVar aggregate classification (germline): Uncertain significance (1 of 4 stars; one submission).

Conditions:
Costello syndrome (CSTLO). Also called: FCS SYNDROME; HRAS-Related Costello Syndrome; FACIOCUTANEOSKELETAL SYNDROME. Identifiers: Orphanet 3071, MedGen C0587248, MONDO:0009026, OMIM 218040.

Submission:

Labcorp Genetics (formerly Invitae), Labcorp
Classification: Uncertain significance for Costello syndrome. Last evaluated: 2023-02-09. Review status: criteria provided, single submitter. Criteria: Invitae Variant Classification Sherloc (09022015). Collection method: clinical testing. Allele origin: germline.
Comment: ClinVar contains an entry for this variant (Variation ID: 1716699). Advanced modeling of protein sequence and biophysical properties (such as structural, functional, and spatial information, amino acid conservation, physicochemical variation, residue mobility, and thermodynamic stability) performed at Invitae indicates that this missense variant is not expected to disrupt HRAS protein function. In summary, the available evidence is currently insufficient to determine the role of this variant in disease. Therefore, it has been classified as a Variant of Uncertain Significance. This sequence change replaces valine, which is neutral and non-polar, with leucine, which is neutral and non-polar, at codon 109 of the HRAS protein (p.Val109Leu). This variant is not present in population databases (gnomAD no frequency). This variant has not been reported in the literature in individuals affected with HRAS-related conditions.